The following is an entry in ClinVar:

NM_006767.4(LZTR1):c.2503G>T (p.Glu835Ter)

Gene: LZTR1 (leucine zipper like post translational regulator 1; plus strand). Cytogenetic location: 22q11.21.
Variant type: single nucleotide variant.
Coding change: c.2503G>T on transcript NM_006767.4 (MANE Select); coding-DNA position 2503, G replaced by T.
Protein change: p.Glu835Ter; replaces glutamic acid 835 with a stop codon.
Molecular consequence: nonsense.
Genome position (GRCh38, 1-based): chr22:20,997,328, G>T. VCF-style: chr22-20997328-G-T. GRCh37 (hg19) VCF-style: chr22-21351617-G-T.
Other names: short protein forms E835*.
Identifiers: ClinVar variation 3238261 (VCV003238261.1), dbSNP rs2518626880.
Genomic context (GRCh38, chr22:20,997,328, plus strand): 5'-CAGCTGCTGCTGGACATCATAGACTCCCTGGCCTCCCACATCTCAGACAAGCAGTGCGCA[G>T]AGCTGGGCGCCGACATCTGAGGCCCTGTGGCGCCTGCCCATTGTGAAGAATCGCCGTGCC-3'

ClinVar aggregate classification (germline): Uncertain significance (1 of 4 stars; one submission).

Conditions:
Hereditary cancer-predisposing syndrome. Also called: Neoplastic Syndromes, Hereditary; Tumor predisposition; Hereditary neoplastic syndrome; Hereditary Cancer Syndrome. Identifiers: Orphanet 140162, MedGen C0027672, MeSH D009386, MONDO:0015356.
Cardiovascular phenotype. Identifiers: MedGen CN230736.

Submission:

Ambry Genetics
Classification: Uncertain significance for Cardiovascular phenotype; Hereditary cancer-predisposing syndrome. Last evaluated: 2023-05-15. Review status: criteria provided, single submitter. Criteria: Ambry Variant Classification Scheme 2023. Collection method: clinical testing. Allele origin: germline.
Comment: The p.E835* variant (also known as c.2503G>T), located in coding exon 21 of the LZTR1 gene, results from a G to T substitution at nucleotide position 2503. This changes the amino acid from a glutamic acid to a stop codon within coding exon 21. This alteration occurs at the 3' terminus of theLZTR1 gene, is not expected to trigger nonsense-mediated mRNAdecay, and only impacts the last 6 amino acids of the protein. The exact functional effect of this alteration is unknown. Since supporting evidence is limited at this time, the clinical significance of this alteration remains unclear.